The following is an entry in ClinVar:

NM_144973.4(DENND5B):c.1676C>T (p.Ser559Leu)

Gene: DENND5B (DENN domain containing 5B; minus strand). Cytogenetic location: 12p11.21.
Variant type: single nucleotide variant.
Coding change: c.1676C>T on transcript NM_144973.4 (MANE Select); coding-DNA position 1676, C replaced by T.
Protein change: p.Ser559Leu; replaces serine 559 with leucine.
Molecular consequence: missense variant.
Genome position (GRCh38, 1-based): chr12:31,447,723, G>A on the plus strand (C>T on the coding strand, the complement: DENND5B is on the minus strand). VCF-style: chr12-31447723-G-A. GRCh37 (hg19) VCF-style: chr12-31600657-G-A.
Other names: c.1781C>T, p.Ser594Leu (NM_001308339.2); c.1742C>T, p.Ser581Leu (NM_001366890.1); short protein forms S559L, S581L, S594L.
Identifiers: ClinVar variation 2664958 (VCV002664958.1), dbSNP rs2499012197, ClinGen allele CA384255975.
Genomic context (GRCh38, chr12:31,447,723, plus strand): 5'-CACTGAGACATAATTTTATTATCAATAAAGGTGGCAAACATCTGTGTTTCAATGAAGCGT[G>A]AAAGAAATGGCAGGTAAGGCTCAGGCTGGTCAGACAGAAAGGAAGCCTGTAATGAGATAA-3'
Protein context (NP_659410.3, residues 549-569): DQPEPYLPFL[Ser559Leu]RFIETQMFAT

ClinVar aggregate classification (germline): Uncertain significance (1 of 4 stars; one submission).

Conditions:
DENND5B-related neurodevelopmental disorder.

Submission:

Department of Neurosciences, Rehabilitation, Ophthalmology and Maternal-Fetal Medicine (DINOGMI), University Of Genoa
Classification: Uncertain significance for DENND5B-related neurodevelopmental disorder. Last evaluated: 2023-11-23. Review status: criteria provided, single submitter. Criteria: ACMG Guidelines, 2015. Collection method: research. Allele origin: de novo. Affected: yes. Observed: 1 variant allele.
Comment: Associated with neurodevelopmental phenotypes